The following is an entry in ClinVar:

NM_024408.4(NOTCH2):c.1968T>A (p.His656Gln)

Gene: NOTCH2 (notch receptor 2; minus strand). Cytogenetic location: 1p12.
Variant type: single nucleotide variant.
Coding change: c.1968T>A on transcript NM_024408.4 (MANE Select); coding-DNA position 1968, T replaced by A.
Protein change: p.His656Gln; replaces histidine 656 with glutamine.
Molecular consequence: missense variant.
Genome position (GRCh38, 1-based): chr1:119,959,450, A>T on the plus strand (T>A on the coding strand, the complement: NOTCH2 is on the minus strand). VCF-style: chr1-119959450-A-T. GRCh37 (hg19) VCF-style: chr1-120502073-A-T.
Other names: c.1968T>A, p.His656Gln (NM_001200001.2); short protein forms H656Q.
Identifiers: ClinVar variation 3373629 (VCV003373629.1).

ClinVar aggregate classification (germline): Uncertain significance (1 of 4 stars; one submission).

gnomAD v4.1: 1 of 1,612,528 alleles (0.000062%); highest among the groups gnomAD compares: African/African-American, 0.0013%; no homozygotes.

Submission:

GeneDx
Classification: Uncertain significance. Last evaluated: 2024-03-06. Review status: criteria provided, single submitter. Criteria: GeneDx Variant Classification Process June 2021. Collection method: clinical testing. Allele origin: germline. Affected: yes.
Comment: Not observed at significant frequency in large population cohorts (gnomAD); In silico analysis supports that this missense variant has a deleterious effect on protein structure/function; Has not been previously published as pathogenic or benign to our knowledge